The following is an entry in ClinVar:

ClinVar aggregate classification (germline): Uncertain significance (1 of 4 stars; one submission).

Conditions:
BBS2-related disorder. Also called: BBS2-related disorders; BBS2-related condition. Identifiers: MedGen CN239228.

gnomAD v4.1: 1 of 1,613,906 alleles (0.000062%); highest among the groups gnomAD compares: Admixed American, 0.0017%; no homozygotes.

Submission:

PreventionGenetics, part of Exact Sciences
Classification: Uncertain significance for BBS2-related condition. Last evaluated: 2025-08-03. Review status: criteria provided, single submitter. Criteria: ACMG Guidelines, 2015. Collection method: clinical testing. Allele origin: germline.
Comment: The BBS2 c.37A>G variant is predicted to result in the amino acid substitution p.Lys13Glu. To our knowledge, this variant has not been reported in the literature. This variant is reported in 0.0029% of alleles in individuals of Latino descent in gnomAD. At this time, the clinical significance of this variant is uncertain due to the absence of conclusive functional and genetic evidence.

NM_031885.5(BBS2):c.37A>G (p.Lys13Glu)

Gene: BBS2 (Bardet-Biedl syndrome 2; minus strand). Cytogenetic location: 16q13.
Variant type: single nucleotide variant.
Coding change: c.37A>G on transcript NM_031885.5 (MANE Select); coding-DNA position 37, A replaced by G.
Protein change: p.Lys13Glu; replaces lysine 13 with glutamic acid.
Molecular consequence: missense variant. On other transcripts: non-coding transcript variant (5).
Genome position (GRCh38, 1-based): chr16:56,519,826, T>C on the plus strand (A>G on the coding strand, the complement: BBS2 is on the minus strand). VCF-style: chr16-56519826-T-C. GRCh37 (hg19) VCF-style: chr16-56553738-T-C.
Other names: c.37A>G, p.Lys13Glu (NM_001377456.1); short protein forms K13E.
Identifiers: ClinVar variation 4997057 (VCV004997057.1).